The following is an entry in ClinVar:

NM_001370259.2(MEN1):c.1351-2A>T

Gene: MEN1 (menin 1; minus strand). Cytogenetic location: 11q13.1.
Variant type: single nucleotide variant.
Coding change: c.1351-2A>T on transcript NM_001370259.2 (MANE Select); the canonical splice acceptor site of the intron before coding-DNA position 1351, A replaced by T.
Molecular consequence: splice acceptor variant.
Genome position (GRCh38, 1-based): chr11:64,804,818, T>A on the plus strand (A>T on the coding strand, the complement: MEN1 is on the minus strand). VCF-style: chr11-64804818-T-A. GRCh37 (hg19) VCF-style: chr11-64572290-T-A.
Other names: c.1366-2A>T (NM_130804.3, NM_130803.3, NM_000244.4 and 4 more transcripts); c.1246-2A>T (NM_001407148.1, NM_001407149.1, NM_001370263.2 and 1 more transcripts); c.1351-2A>T (NM_130799.3, NM_001370260.2, NM_001407146.1 and 2 more transcripts); c.1477-2A>T (NM_001407144.1, NM_001370251.2, NM_001407142.1 and 1 more transcripts); c.1372-2A>T (NM_001407151.1); c.1186-2A>T (NM_001407152.1); c.1492-2A>T (NM_001407150.1).
Identifiers: ClinVar variation 4709848 (VCV004709848.1).

ClinVar aggregate classification (germline): Pathogenic (1 of 4 stars; one submission).

Conditions:
Multiple endocrine neoplasia, type 1 (MEN1). Also called: MEN I; WERMER SYNDROME; Endocrine adenomatosis multiple; MEN 1; MEA I. Identifiers: Orphanet 652, MedGen C0025267, MeSH D018761, MONDO:0007540, OMIM 131100.

Submission:

Labcorp Genetics (formerly Invitae), Labcorp
Classification: Pathogenic for Multiple endocrine neoplasia, type 1. Last evaluated: 2025-04-27. Review status: criteria provided, single submitter. Criteria: Invitae Variant Classification Sherloc (09022015). Collection method: clinical testing. Allele origin: germline.
Comment: This sequence change affects an acceptor splice site in intron 9 of the MEN1 gene. While this variant is not anticipated to result in nonsense mediated decay, it likely alters RNA splicing and results in a disrupted protein product. This variant is not present in population databases (gnomAD no frequency). Disruption of this splice site has been observed in individuals with clinical features of multiple endocrine neoplasia type 1 (PMID: 10617276, 15670192, 31658439; internal data). This variant is also known as 1461-2A>T. Variants that disrupt the consensus splice site are a relatively common cause of aberrant splicing (PMID: 17576681, 9536098). Algorithms developed to predict the effect of sequence changes on RNA splicing suggest that this variant may disrupt the consensus splice site. For these reasons, this variant has been classified as Pathogenic.

Literature cited by the submitters: PubMed 10617276; PubMed 15670192; PubMed 31658439; PubMed 17576681; PubMed 9536098.